The following is an entry in ClinVar:

NM_001166114.2(PNPLA6):c.570C>T (p.Phe190=)

Gene: PNPLA6 (patatin like domain 6, lysophospholipase; plus strand). Cytogenetic location: 19p13.2.
Variant type: single nucleotide variant.
Coding change: c.570C>T on transcript NM_001166114.2 (MANE Select); coding-DNA position 570, C replaced by T.
Protein change: p.Phe190=; no amino-acid change (phenylalanine 190 retained).
Molecular consequence: synonymous variant.
Genome position (GRCh38, 1-based): chr19:7,540,164, C>T. VCF-style: chr19-7540164-C-T. GRCh37 (hg19) VCF-style: chr19-7605050-C-T.
Other names: c.597C>T, p.Phe199= (NM_001166111.2); c.453C>T, p.Phe151= (NM_001166112.2, NM_001166113.1, NM_006702.5).
Identifiers: ClinVar variation 1530964 (VCV001530964.32), dbSNP rs1007265464, ClinGen allele CA304863490.

ClinVar aggregate classification (germline): Likely benign. Review status: criteria provided, multiple submitters, no conflicts (2 of 4 stars). 3 submissions from 3 submitters: Likely benign (3). Last evaluated 2025-01-14.

Conditions:
Hereditary spastic paraplegia 39 (SPG39). Also called: SPASTIC PARAPLEGIA 39, AUTOSOMAL RECESSIVE; Spastic Paraplegia Type 39 (SPG39). Identifiers: Orphanet 139480, MedGen C2677586, MONDO:0012787, OMIM 612020.

Allele frequency attached by ClinVar (database versions not stated): gnomAD 0.00001; TOPMed 0.00002; gnomAD exomes 0.00003.
gnomAD v4.1: 41 of 1,611,218 alleles (0.0025%); highest among the groups gnomAD compares: Non-Finnish European, 0.0031%; no homozygotes.

Submissions (3):

Labcorp Genetics (formerly Invitae), Labcorp
Classification: Likely benign for Hereditary spastic paraplegia 39. Last evaluated: 2025-01-14. Review status: criteria provided, single submitter. Criteria: Invitae Variant Classification Sherloc (09022015). Collection method: clinical testing. Allele origin: germline.

Blueprint Genetics
Classification: Likely benign. Last evaluated: 2024-01-12. Review status: criteria provided, single submitter. Criteria: ACMG Guidelines, 2015. Collection method: clinical testing. Allele origin: germline.

CeGaT Center for Human Genetics Tuebingen
Classification: Likely benign. Last evaluated: 2022-07-01. Review status: criteria provided, single submitter. Criteria: CeGaT Center For Human Genetics Tuebingen Variant Classification Criteria Version 2. Collection method: clinical testing. Allele origin: germline. Affected: yes. Observed: 1 variant allele.
Comment: PNPLA6: BP4, BP7